The following is an entry in ClinVar:

ClinVar aggregate classification (germline): Uncertain significance (1 of 4 stars; one submission).

gnomAD v4.1: 2 of 1,603,294 alleles (0.00012%); highest among the groups gnomAD compares: East Asian, 0.0045%; no homozygotes.

Submission:

Labcorp Genetics (formerly Invitae), Labcorp
Classification: Uncertain significance. Last evaluated: 2026-01-12. Review status: criteria provided, single submitter. Criteria: Invitae Variant Classification Sherloc (09022015). Collection method: clinical testing. Allele origin: germline.
Comment: This sequence change replaces arginine, which is basic and polar, with cysteine, which is neutral and slightly polar, at codon 244 of the NSMCE2 protein (p.Arg244Cys). This variant is not present in population databases (gnomAD no frequency). This variant has not been reported in the literature in individuals affected with NSMCE2-related conditions. ClinVar contains an entry for this variant (Variation ID: 3615734). An algorithm developed to predict the effect of missense changes on protein structure and function (PolyPhen-2) suggests that this variant is likely to be disruptive. In summary, the available evidence is currently insufficient to determine the role of this variant in disease. Therefore, it has been classified as a Variant of Uncertain Significance.

NM_173685.4(NSMCE2):c.730C>T (p.Arg244Cys)

Gene: NSMCE2 (NSE2 SUMO ligase component of SMC5/6 complex; plus strand). Cytogenetic location: 8q24.13.
Variant type: single nucleotide variant.
Coding change: c.730C>T on transcript NM_173685.4 (MANE Select); coding-DNA position 730, C replaced by T.
Protein change: p.Arg244Cys; replaces arginine 244 with cysteine.
Molecular consequence: missense variant. On other transcripts: non-coding transcript variant (1).
Genome position (GRCh38, 1-based): chr8:125,366,871, C>T. VCF-style: chr8-125366871-C-T. GRCh37 (hg19) VCF-style: chr8-126379113-C-T.
Other names: c.730C>T, p.Arg244Cys (NM_001349485.2, NM_001349486.2); short protein forms R244C.
Identifiers: ClinVar variation 3615734 (VCV003615734.2).